The following is an entry in ClinVar:

NM_002206.3(ITGA7):c.1410-2A>G

Gene: ITGA7 (integrin subunit alpha 7; minus strand). Cytogenetic location: 12q13.2.
Variant type: single nucleotide variant.
Coding change: c.1410-2A>G on transcript NM_002206.3 (MANE Select); the canonical splice acceptor site of the intron before coding-DNA position 1410, A replaced by G.
Molecular consequence: splice acceptor variant.
Genome position (GRCh38, 1-based): chr12:55,697,548, T>C on the plus strand (A>G on the coding strand, the complement: ITGA7 is on the minus strand). VCF-style: chr12-55697548-T-C. GRCh37 (hg19) VCF-style: chr12-56091332-T-C.
Other names: c.1131-2A>G (NM_001144997.2); c.1083-2A>G (NM_001367993.1); c.1071-2A>G (NM_001414035.1); c.1227-2A>G (NM_001414033.1); c.66-2A>G (NM_001367994.1); c.1290-2A>G (NM_001414032.1); c.1323-2A>G (NM_001414031.1); c.1410-2A>G (NM_001374465.1, NM_001414034.1); and 3 more.
Identifiers: ClinVar variation 3684749 (VCV003684749.2).

ClinVar aggregate classification (germline): Likely pathogenic (1 of 4 stars; one submission).

Conditions:
Congenital muscular dystrophy due to integrin alpha-7 deficiency. Also called: MYOPATHY, CONGENITAL, DUE TO INTEGRIN ALPHA-7 DEFICIENCY; Congenital muscular dystrophy with integrin alpha-7 deficiency; Muscular dystrophy, congenital, due to ITGA7 deficiency. Identifiers: Orphanet 34520, MedGen C2750786, MONDO:0013177, OMIM 613204.

Submission:

Labcorp Genetics (formerly Invitae), Labcorp
Classification: Likely pathogenic for Congenital muscular dystrophy due to integrin alpha-7 deficiency. Last evaluated: 2024-08-06. Review status: criteria provided, single submitter. Criteria: Invitae Variant Classification Sherloc (09022015). Collection method: clinical testing. Allele origin: germline.
Comment: This sequence change affects an acceptor splice site in intron 9 of the ITGA7 gene. It is expected to disrupt RNA splicing. Variants that disrupt the donor or acceptor splice site typically lead to a loss of protein function (PMID: 16199547), and loss-of-function variants in ITGA7 are known to be pathogenic (PMID: 9590299). This variant is not present in population databases (gnomAD no frequency). This variant has not been reported in the literature in individuals affected with ITGA7-related conditions. Algorithms developed to predict the effect of sequence changes on RNA splicing suggest that this variant may disrupt the consensus splice site. In summary, the currently available evidence indicates that the variant is pathogenic, but additional data are needed to prove that conclusively. Therefore, this variant has been classified as Likely Pathogenic.

Literature cited by the submitters: PubMed 16199547; PubMed 9590299.